The following is an entry in ClinVar:

NM_032043.3(BRIP1):c.158G>A (p.Ser53Asn)

Gene: BRIP1 (BRCA1 interacting DNA helicase 1; minus strand). Cytogenetic location: 17q23.2.
Variant type: single nucleotide variant.
Coding change: c.158G>A on transcript NM_032043.3 (MANE Select); coding-DNA position 158, G replaced by A.
Protein change: p.Ser53Asn; replaces serine 53 with asparagine.
Molecular consequence: missense variant.
Genome position (GRCh38, 1-based): chr17:61,859,843, C>T on the plus strand (G>A on the coding strand, the complement: BRIP1 is on the minus strand). VCF-style: chr17-61859843-C-T. GRCh37 (hg19) VCF-style: chr17-59937204-C-T.
Other names: c.158G>A (NM_032043.2); short protein forms S53N.
Identifiers: ClinVar variation 1384155 (VCV001384155.8), dbSNP rs751182362, ClinGen allele CA400485746.

ClinVar aggregate classification (germline): Uncertain significance. Review status: criteria provided, multiple submitters, no conflicts (2 of 4 stars). 2 submissions from 2 submitters: Uncertain significance (2). Last evaluated 2025-12-28.

Conditions:
Hereditary cancer-predisposing syndrome. Also called: Tumor predisposition; Hereditary neoplastic syndrome; Neoplastic Syndromes, Hereditary; Hereditary Cancer Syndrome. Identifiers: Orphanet 140162, MedGen C0027672, MeSH D009386, MONDO:0015356.
Familial cancer of breast. Also called: BREAST CANCER, FAMILIAL; Hereditary breast cancer; hereditary breast carcinoma. Identifiers: Orphanet 227535, MedGen C0346153, MONDO:0016419, OMIM 114480. Disease mechanism: loss of function.
Fanconi anemia complementation group J. Also called: BRIP1-Related Fanconi Anemia. Identifiers: Orphanet 84, MedGen C1836860, MONDO:0012187, OMIM 609054.

gnomAD v4.1: 1 of 1,613,992 alleles (0.000062%); highest among the groups gnomAD compares: Non-Finnish European, 0.000085%; no homozygotes.

Submissions (2):

Labcorp Genetics (formerly Invitae), Labcorp
Classification: Uncertain significance for Familial cancer of breast; Fanconi anemia complementation group J. Last evaluated: 2025-12-28. Review status: criteria provided, single submitter. Criteria: Invitae Variant Classification Sherloc (09022015). Collection method: clinical testing. Allele origin: germline.
Comment: This sequence change replaces serine, which is neutral and polar, with asparagine, which is neutral and polar, at codon 53 of the BRIP1 protein (p.Ser53Asn). This variant is not present in population databases (gnomAD no frequency). This variant has not been reported in the literature in individuals affected with BRIP1-related conditions. ClinVar contains an entry for this variant (Variation ID: 1384155). Invitae Evidence Modeling of protein sequence and biophysical properties (such as structural, functional, and spatial information, amino acid conservation, physicochemical variation, residue mobility, and thermodynamic stability) has been performed for this missense variant. However, the output from this modeling did not meet the statistical confidence thresholds required to predict the impact of this variant on BRIP1 protein function. In summary, the available evidence is currently insufficient to determine the role of this variant in disease. Therefore, it has been classified as a Variant of Uncertain Significance.

Ambry Genetics
Classification: Uncertain significance for Hereditary cancer-predisposing syndrome. Last evaluated: 2025-08-23. Review status: criteria provided, single submitter. Criteria: Ambry Variant Classification Scheme 2023. Collection method: clinical testing. Allele origin: germline.
Comment: The p.S53N variant (also known as c.158G>A), located in coding exon 2 of the BRIP1 gene, results from a G to A substitution at nucleotide position 158. The serine at codon 53 is replaced by asparagine, an amino acid with highly similar properties. This amino acid position is conserved. In addition, the in silico prediction for this alteration is inconclusive. Based on the available evidence, the clinical significance of this variant remains unclear.